The following is an entry in ClinVar:

ClinVar aggregate classification (germline): Likely benign (0 of 4 stars; one submission).

Conditions:
FRAS1-related disorder. Also called: FRAS1-related condition.

Allele frequency attached by ClinVar (database versions not stated): gnomAD exomes below 0.00001.
gnomAD v4.1: 1 of 1,613,022 alleles (0.000062%); highest among the groups gnomAD compares: South Asian, 0.0011%; no homozygotes.

Submission:

PreventionGenetics, part of Exact Sciences
Classification: Likely benign for FRAS1-related condition. Last evaluated: 2022-12-06. Review status: no assertion criteria provided. Collection method: clinical testing. Allele origin: germline.
Comment: This variant is classified as likely benign based on ACMG/AMP sequence variant interpretation guidelines (Richards et al. 2015 PMID: 25741868, with internal and published modifications).

NM_025074.7(FRAS1):c.2905C>T (p.Leu969=)

Gene: FRAS1 (Fraser extracellular matrix complex subunit 1; plus strand). Cytogenetic location: 4q21.21.
Variant type: single nucleotide variant.
Coding change: c.2905C>T on transcript NM_025074.7 (MANE Select); coding-DNA position 2905, C replaced by T.
Protein change: p.Leu969=; no amino-acid change (leucine 969 retained).
Molecular consequence: synonymous variant.
Genome position (GRCh38, 1-based): chr4:78,372,753, C>T. VCF-style: chr4-78372753-C-T. GRCh37 (hg19) VCF-style: chr4-79293907-C-T.
Other names: c.2905C>T, p.Leu969= (NM_001166133.2).
Identifiers: ClinVar variation 3055130 (VCV003055130.2), dbSNP rs2476897644, ClinGen allele CA439975658.